The following is an entry in ClinVar:

NM_001164508.2(NEB):c.21407T>G (p.Met7136Arg)

Genes: NEB (nebulin; minus strand), RIF1 (replication timing regulatory factor 1; plus strand). Cytogenetic location: 2q23.3.
Variant type: single nucleotide variant.
Coding change: c.21407T>G on transcript NM_001164508.2 (MANE Select); coding-DNA position 21407, T replaced by G.
Protein change: p.Met7136Arg; replaces methionine 7136 with arginine.
Molecular consequence: missense variant. On other transcripts: intron variant (2).
Genome position (GRCh38, 1-based): chr2:151,533,452, A>C on the plus strand (T>G on the coding strand, the complement: NEB is on the minus strand). VCF-style: chr2-151533452-A-C. GRCh37 (hg19) VCF-style: chr2-152389966-A-C.
Other names: c.21512T>G, p.Met7171Arg (NM_001271208.2); c.16314+763T>G (NM_004543.5); c.21417+763T>G (NM_001164507.2); short protein forms M7136R, M7171R.
Identifiers: ClinVar variation 4729159 (VCV004729159.1).

ClinVar aggregate classification (germline): Uncertain significance (1 of 4 stars; one submission).

Conditions:
Nemaline myopathy 2 (NEM2). Also called: Nemaline myopathy 2, autosomal recessive. Identifiers: MedGen C1850569, MONDO:0009725, OMIM 256030.

gnomAD v4.1: 1 of 1,550,200 alleles (0.000065%); highest among the groups gnomAD compares: Non-Finnish European, 0.000087%; no homozygotes.

Submission:

Labcorp Genetics (formerly Invitae), Labcorp
Classification: Uncertain significance for Nemaline myopathy 2. Last evaluated: 2025-02-06. Review status: criteria provided, single submitter. Criteria: Invitae Variant Classification Sherloc (09022015). Collection method: clinical testing. Allele origin: germline.
Comment: This sequence change replaces methionine, which is neutral and non-polar, with arginine, which is basic and polar, at codon 7171 of the NEB protein (p.Met7171Arg). This variant is not present in population databases (gnomAD no frequency). This variant has not been reported in the literature in individuals affected with NEB-related conditions. Experimental studies and prediction algorithms are not available or were not evaluated, and the functional significance of this variant is currently unknown. In summary, the available evidence is currently insufficient to determine the role of this variant in disease. Therefore, it has been classified as a Variant of Uncertain Significance.